The following is an entry in ClinVar:

ClinVar aggregate classification (germline): Uncertain significance. Review status: criteria provided, multiple submitters, no conflicts (2 of 4 stars). 2 submissions from 2 submitters: Uncertain significance (2). Last evaluated 2025-08-02.

Conditions:
Hereditary cancer-predisposing syndrome. Also called: Tumor predisposition; Hereditary neoplastic syndrome; Neoplastic Syndromes, Hereditary; Hereditary Cancer Syndrome. Identifiers: Orphanet 140162, MedGen C0027672, MeSH D009386, MONDO:0015356.
Tuberous sclerosis 1 (TSC1). Identifiers: Orphanet 805, MedGen C1854465, MONDO:0008612, OMIM 191100.

Submissions (2):

Ambry Genetics
Classification: Uncertain significance for Hereditary cancer-predisposing syndrome. Last evaluated: 2025-08-02. Review status: criteria provided, single submitter. Criteria: Ambry Variant Classification Scheme 2023. Collection method: clinical testing. Allele origin: germline.
Comment: The p.C401Y variant (also known as c.1202G>A), located in coding exon 10 of the TSC1 gene, results from a G to A substitution at nucleotide position 1202. The cysteine at codon 401 is replaced by tyrosine, an amino acid with highly dissimilar properties. This amino acid position is conserved. In addition, this alteration is predicted to be tolerated by in silico analysis. Since supporting evidence is limited at this time, the clinical significance of this alteration remains unclear.

Labcorp Genetics (formerly Invitae), Labcorp
Classification: Uncertain significance for Tuberous sclerosis 1. Last evaluated: 2021-10-24. Review status: criteria provided, single submitter. Criteria: Invitae Variant Classification Sherloc (09022015). Collection method: clinical testing. Allele origin: germline.
Comment: In summary, the available evidence is currently insufficient to determine the role of this variant in disease. Therefore, it has been classified as a Variant of Uncertain Significance. Algorithms developed to predict the effect of missense changes on protein structure and function are either unavailable or do not agree on the potential impact of this missense change (SIFT: "Deleterious"; PolyPhen-2: "Benign"; Align-GVGD: "Class C0"). This variant has not been reported in the literature in individuals affected with TSC1-related conditions. This variant is not present in population databases (ExAC no frequency). This sequence change replaces cysteine with tyrosine at codon 401 of the TSC1 protein (p.Cys401Tyr). The cysteine residue is moderately conserved and there is a large physicochemical difference between cysteine and tyrosine.

NM_000368.5(TSC1):c.1202G>A (p.Cys401Tyr)

Gene: TSC1 (TSC complex subunit 1; minus strand). Cytogenetic location: 9q34.13.
Variant type: single nucleotide variant.
Coding change: c.1202G>A on transcript NM_000368.5 (MANE Select); coding-DNA position 1202, G replaced by A.
Protein change: p.Cys401Tyr; replaces cysteine 401 with tyrosine.
Molecular consequence: missense variant.
Genome position (GRCh38, 1-based): chr9:132,910,632, C>T on the plus strand (G>A on the coding strand, the complement: TSC1 is on the minus strand). VCF-style: chr9-132910632-C-T. GRCh37 (hg19) VCF-style: chr9-135786019-C-T.
Other names: c.1202G>A (NM_000368.4); c.1199G>A, p.Cys400Tyr (NM_001162426.2); c.1049G>A, p.Cys350Tyr (NM_001162427.2); c.839G>A, p.Cys280Tyr (NM_001362177.2); short protein forms C350Y, C401Y, C400Y, C280Y.
Identifiers: ClinVar variation 1386257 (VCV001386257.8), dbSNP rs2131942881, ClinGen allele CA375366984.